The following is an entry in ClinVar:

NM_032608.7(MYO18B):c.6574G>C (p.Val2192Leu)

Gene: MYO18B (myosin XVIIIB; plus strand). Cytogenetic location: 22q12.1.
Variant type: single nucleotide variant.
Coding change: c.6574G>C on transcript NM_032608.7 (MANE Select); coding-DNA position 6574, G replaced by C.
Protein change: p.Val2192Leu; replaces valine 2192 with leucine.
Molecular consequence: missense variant.
Genome position (GRCh38, 1-based): chr22:26,026,548, G>C. VCF-style: chr22-26026548-G-C. GRCh37 (hg19) VCF-style: chr22-26422514-G-C.
Other names: c.6574G>C (NM_032608.5); c.6577G>C, p.Val2193Leu (NM_001318245.2); short protein forms V2192L, V2193L.
Identifiers: ClinVar variation 2077634 (VCV002077634.5), dbSNP rs369440294, ClinGen allele CA411010017.
Genomic context (GRCh38, chr22:26,026,548, plus strand): 5'-TTGGCACTGAGCAGAGCCCGGTCCACCAATGTCCACAGCAAGACCTCAGGAGACAAGCCT[G>C]TTTCTCCCCACTTTGTCCGCCGGCAAAAGTACTGTCATTTTGGGGACGGCGAAGTGCTTG-3'
Protein context (NP_115997.5, residues 2182-2202): VHSKTSGDKP[Val2192Leu]SPHFVRRQKY

ClinVar aggregate classification (germline): Uncertain significance. Review status: criteria provided, multiple submitters, no conflicts (2 of 4 stars). 2 submissions from 2 submitters: Uncertain significance (2). Last evaluated 2025-10-29.

Conditions:
Inborn genetic diseases. Identifiers: MedGen C0950123, MeSH D030342.

Allele frequency attached by ClinVar (database versions not stated): TOPMed 0.00002.
gnomAD v4.1: 3 of 1,613,780 alleles (0.00019%); highest among the groups gnomAD compares: African/African-American, 0.0013%; no homozygotes.

Submissions (2):

Ambry Genetics
Classification: Uncertain significance for Inborn genetic diseases. Last evaluated: 2025-10-29. Review status: criteria provided, single submitter. Criteria: Ambry Variant Classification Scheme 2023. Collection method: clinical testing. Allele origin: germline.

Labcorp Genetics (formerly Invitae), Labcorp
Classification: Uncertain significance. Last evaluated: 2022-09-27. Review status: criteria provided, single submitter. Criteria: Invitae Variant Classification Sherloc (09022015). Collection method: clinical testing. Allele origin: germline.
Comment: In summary, the available evidence is currently insufficient to determine the role of this variant in disease. Therefore, it has been classified as a Variant of Uncertain Significance. Algorithms developed to predict the effect of missense changes on protein structure and function output the following: SIFT: "Not Available"; PolyPhen-2: "Benign"; Align-GVGD: "Not Available". The leucine amino acid residue is found in multiple mammalian species, which suggests that this missense change does not adversely affect protein function. This variant has not been reported in the literature in individuals affected with MYO18B-related conditions. This variant is present in population databases (no rsID available, gnomAD 0.007%). This sequence change replaces valine, which is neutral and non-polar, with leucine, which is neutral and non-polar, at codon 2192 of the MYO18B protein (p.Val2192Leu).